The following is an entry in ClinVar:

ClinVar aggregate classification (germline): Pathogenic (1 of 4 stars; one submission).

Conditions:
Mucolipidosis type II. Also called: ML II ALPHA/BETA; Mucolipidosis 2; ML 2; Inclusion cell disease; Leroy Disease; N-acetylglucosamine 1phosphotransferase deficiency. Identifiers: Orphanet 576, MedGen C2673377, MONDO:0009650, OMIM 252500.
Pseudo-Hurler polydystrophy. Also called: MUCOLIPIDOSIS IIIA; ML III; ML III ALPHA/BETA; Type III Mucolipidosis; ML IIIA; Mucolipidosis III Alpha/Beta. Identifiers: Orphanet 423461, Orphanet 577, MedGen C0033788, MONDO:0018931, OMIM 252600.

Submission:

Labcorp Genetics (formerly Invitae), Labcorp
Classification: Pathogenic for Pseudo-Hurler polydystrophy; Mucolipidosis type II. Last evaluated: 2021-11-06. Review status: criteria provided, single submitter. Criteria: Invitae Variant Classification Sherloc (09022015). Collection method: clinical testing. Allele origin: germline.
Comment: ClinVar contains an entry for this variant (Variation ID: 1074624). For these reasons, this variant has been classified as Pathogenic. This variant has not been reported in the literature in individuals affected with GNPTAB-related conditions. This variant is present in population databases (no rsID available, gnomAD 0.003%). This sequence change creates a premature translational stop signal (p.Arg636Glyfs*6) in the GNPTAB gene. It is expected to result in an absent or disrupted protein product. Loss-of-function variants in GNPTAB are known to be pathogenic (PMID: 19617216, 25107912).

Literature cited by the submitters: PubMed 19617216; PubMed 25107912.

NM_024312.5(GNPTAB):c.1906del (p.Arg636fs)

Gene: GNPTAB (N-acetylglucosamine-1-phosphate transferase subunits alpha and beta; minus strand). Cytogenetic location: 12q23.2.
Variant type: Deletion.
Coding change: c.1906del on transcript NM_024312.5 (MANE Select); coding-DNA position 1906, one base deleted (A; older notation c.1906delA).
Protein change: p.Arg636fs; shifts the reading frame from arginine 636.
Molecular consequence: frameshift variant.
Genome position (GRCh38, 1-based): chr12:101,765,011, T deleted on the plus strand (A on the coding strand, the reverse complement: GNPTAB is on the minus strand); the first of 2 consecutive T bases (chr12:101,765,011-101,765,012); deleting either gives the same sequence. VCF-style (leftmost placement, unchanged base first): chr12-101765010-CT-C. GRCh37 (hg19) VCF-style: chr12-102158788-CT-C.
Other names: short protein forms R636fs.
Identifiers: ClinVar variation 1074624 (VCV001074624.7), dbSNP rs747789493, ClinGen allele CA607597832.